The following is an entry in ClinVar:

NM_015122.3(FCHO1):c.1490G>C (p.Gly497Ala)

Gene: FCHO1 (FCH and mu domain containing endocytic adaptor 1; plus strand). Cytogenetic location: 19p13.11.
Variant type: single nucleotide variant.
Coding change: c.1490G>C on transcript NM_015122.3 (MANE Select); coding-DNA position 1490, G replaced by C.
Protein change: p.Gly497Ala; replaces glycine 497 with alanine.
Molecular consequence: missense variant. On other transcripts: non-coding transcript variant (14), intron variant (11).
Genome position (GRCh38, 1-based): chr19:17,778,747, G>C. VCF-style: chr19-17778747-G-C. GRCh37 (hg19) VCF-style: chr19-17889556-G-C.
Other names: c.1490G>C, p.Gly497Ala (NM_001161357.2, NM_001161358.2, NM_001384370.1 and 13 more transcripts); c.1340G>C, p.Gly447Ala (NM_001161359.2, NM_001384384.1, NM_001384385.1 and 1 more transcripts); c.1451G>C, p.Gly484Ala (NM_001384388.1, NM_001384389.1, NM_001384405.1); c.1415G>C, p.Gly472Ala (NM_001384390.1); c.1373G>C, p.Gly458Ala (NM_001384392.1, NM_001384393.1, NM_001384394.1 and 1 more transcripts); c.1351+519G>C (NM_001384396.1, NM_001384404.1, NM_001384398.1 and 5 more transcripts); c.1201+519G>C (NM_001384406.1); c.1057+2476G>C (NM_001384407.1); and 2 more; short protein forms G458A, G472A, G484A, G447A, G497A.
Identifiers: ClinVar variation 2991550 (VCV002991550.2), dbSNP rs771028517, ClinGen allele CA404753636.

ClinVar aggregate classification (germline): Uncertain significance. Review status: criteria provided, multiple submitters, no conflicts (2 of 4 stars). 2 submissions from 2 submitters: Uncertain significance (2). Last evaluated 2023-12-30.

Allele frequency attached by ClinVar (database versions not stated): TOPMed below 0.00001.
gnomAD v4.1: 6 of 1,539,500 alleles (0.00039%); highest among the groups gnomAD compares: East Asian, 0.015%; no homozygotes.

Submissions (2):

Ambry Genetics
Classification: Uncertain significance. Last evaluated: 2023-12-30. Review status: criteria provided, single submitter. Criteria: Ambry Variant Classification Scheme 2023. Collection method: clinical testing. Allele origin: germline.

Labcorp Genetics (formerly Invitae), Labcorp
Classification: Uncertain significance. Last evaluated: 2023-07-10. Review status: criteria provided, single submitter. Criteria: Invitae Variant Classification Sherloc (09022015). Collection method: clinical testing. Allele origin: germline.
Comment: This sequence change replaces glycine, which is neutral and non-polar, with alanine, which is neutral and non-polar, at codon 497 of the FCHO1 protein (p.Gly497Ala). This variant is present in population databases (no rsID available, gnomAD 0.05%). This variant has not been reported in the literature in individuals affected with FCHO1-related conditions. Algorithms developed to predict the effect of missense changes on protein structure and function output the following: SIFT: "Not Available"; PolyPhen-2: "Benign"; Align-GVGD: "Not Available". The alanine amino acid residue is found in multiple mammalian species, which suggests that this missense change does not adversely affect protein function. In summary, the available evidence is currently insufficient to determine the role of this variant in disease. Therefore, it has been classified as a Variant of Uncertain Significance.